The following is an entry in ClinVar:

NM_004973.4(JARID2):c.324-149_493+2097dup

Gene: JARID2 (jumonji and AT-rich interaction domain containing 2; plus strand). Cytogenetic location: 6p22.3.
Variant type: Duplication.
Coding change: c.324-149_493+2097dup on transcript NM_004973.4 (MANE Select); 149 bases into the intron before coding-DNA position 324 through 2097 bases into the intron after coding-DNA position 493, 2,416 bases duplicated.
Molecular consequence: splice acceptor variant, splice donor variant.
Genome position (GRCh38, 1-based): chr6:15,451,857-15,454,272, 2,416 bases duplicated. GRCh37 (hg19): chr6:15,452,088-15,454,503.
Other names: c.-193-149_-24+2097dup (NM_001267040.1); c.324-149_493+2097dup (NM_004973.3).
Identifiers: ClinVar variation 4888377 (VCV004888377.1).

ClinVar aggregate classification (germline): Likely pathogenic (1 of 4 stars; one submission).

Conditions:
Developmental delay with variable intellectual disability and dysmorphic facies. Identifiers: MedGen C5774242, MONDO:0859306, OMIM 620098.

Submission:

New York Genome Center
Classification: Likely pathogenic for Developmental delay with variable intellectual disability and dysmorphic facies. Last evaluated: 2023-09-29. Review status: criteria provided, single submitter. Criteria: NYGC Assertion Criteria 2020. Collection method: clinical testing. Allele origin: de novo. Observed: 1 variant allele.
Comment: This ~2.4 Kb intragenic tandem duplication in JARID2 has not previously been reported in the literature or public variant repositories (ClinVar and LOVD), and is absent from population databases (gnomAD sv 2.1, DGV), suggesting it is not a common benign variant in the populations represented in those databases. This ~2.4 Kb tandem duplication involves the entirety exon 4 of this 18-exon gene and the surrounding intronic bases, and would disrupt the open reading frame of JARID2 should the duplicated exon 4 be incorporated into mRNA splicing. Based on available evidence, this apparently de novo intragenic tandem duplication identified in JARID2 is classified as Likely Pathogenic.